The following is an entry in ClinVar:

NM_032520.5(GNPTG):c.327C>G (p.His109Gln)

Gene: GNPTG (N-acetylglucosamine-1-phosphate transferase subunit gamma; plus strand). Cytogenetic location: 16p13.3.
Variant type: single nucleotide variant.
Coding change: c.327C>G on transcript NM_032520.5 (MANE Select); coding-DNA position 327, C replaced by G.
Protein change: p.His109Gln; replaces histidine 109 with glutamine.
Molecular consequence: missense variant.
Genome position (GRCh38, 1-based): chr16:1,362,047, C>G. VCF-style: chr16-1362047-C-G. GRCh37 (hg19) VCF-style: chr16-1412048-C-G.
Other names: c.327C>G (NM_032520.4); short protein forms H109Q.
Identifiers: ClinVar variation 1063370 (VCV001063370.9), dbSNP rs141533972, ClinGen allele CA7807640.
Genomic context (GRCh38, chr16:1,362,047, plus strand): 5'-AGCAGCGCAGCTCCCCACCCGGCCTCACGTGCCGTGCCCGTGTCTCCCCAGCATCTGGCA[C>G]GAGTGGGAGATCGCCAACAACACCTTCACGGGCATGTGGATGAGGGACGGTGACGCCTGC-3'
Protein context (NP_115909.1, residues 99-119): NAYSGILGIW[His109Gln]EWEIANNTFT

ClinVar aggregate classification (germline): Uncertain significance. Review status: criteria provided, multiple submitters, no conflicts (2 of 4 stars). 3 submissions from 3 submitters: Uncertain significance (2). 1 of the submissions does not count toward it. Last evaluated 2025-09-01.

Conditions:
Inborn genetic diseases. Identifiers: MedGen C0950123, MeSH D030342.
GNPTG-mucolipidosis. Also called: MUCOLIPIDOSIS III, COMPLEMENTATION GROUP C; MUCOLIPIDOSIS III, IRANIAN VARIANT FORM; MUCOLIPIDOSIS III, VARIANT FORM; Mucolipidosis type III gamma; ML III GAMMA; ML IIIC. Identifiers: Orphanet 423470, Orphanet 577, MedGen C1854896, MONDO:0009652, OMIM 252605.

gnomAD v4.1: 3 of 1,612,614 alleles (0.00019%); highest among the groups gnomAD compares: Admixed American, 0.0017%; no homozygotes.

Submissions (3):

Ambry Genetics
Classification: Uncertain significance for Inborn genetic diseases. Last evaluated: 2025-09-01. Review status: criteria provided, single submitter. Criteria: Ambry Variant Classification Scheme 2023. Collection method: clinical testing. Allele origin: germline.

Labcorp Genetics (formerly Invitae), Labcorp
Classification: Uncertain significance. Last evaluated: 2023-11-27. Review status: criteria provided, single submitter. Criteria: Invitae Variant Classification Sherloc (09022015). Collection method: clinical testing. Allele origin: germline.
Comment: This sequence change replaces histidine, which is basic and polar, with glutamine, which is neutral and polar, at codon 109 of the GNPTG protein (p.His109Gln). This variant is present in population databases (rs141533972, gnomAD 0.003%). This variant has not been reported in the literature in individuals affected with GNPTG-related conditions. ClinVar contains an entry for this variant (Variation ID: 1063370). Advanced modeling of protein sequence and biophysical properties (such as structural, functional, and spatial information, amino acid conservation, physicochemical variation, residue mobility, and thermodynamic stability) performed at Invitae indicates that this missense variant is not expected to disrupt GNPTG protein function with a negative predictive value of 80%. In summary, the available evidence is currently insufficient to determine the role of this variant in disease. Therefore, it has been classified as a Variant of Uncertain Significance.

Natera, Inc.
Classification: Uncertain significance for Mucolipidosis III gamma. Last evaluated: 2021-10-05. Review status: no assertion criteria provided. Collection method: clinical testing. Allele origin: germline. Not counted in ClinVar's aggregate classification.